The following is an entry in ClinVar:

ClinVar aggregate classification (germline): Uncertain significance (1 of 4 stars; one submission).

Submission:

Labcorp Genetics (formerly Invitae), Labcorp
Classification: Uncertain significance. Last evaluated: 2023-09-11. Review status: criteria provided, single submitter. Criteria: Invitae Variant Classification Sherloc (09022015). Collection method: clinical testing. Allele origin: germline.
Comment: This sequence change replaces lysine, which is basic and polar, with asparagine, which is neutral and polar, at codon 384 of the FBLN5 protein (p.Lys384Asn). This variant is not present in population databases (gnomAD no frequency). This variant has not been reported in the literature in individuals affected with FBLN5-related conditions. Advanced modeling of protein sequence and biophysical properties (such as structural, functional, and spatial information, amino acid conservation, physicochemical variation, residue mobility, and thermodynamic stability) performed at Invitae indicates that this missense variant is not expected to disrupt FBLN5 protein function. In summary, the available evidence is currently insufficient to determine the role of this variant in disease. Therefore, it has been classified as a Variant of Uncertain Significance.

NM_006329.4(FBLN5):c.1152A>T (p.Lys384Asn)

Gene: FBLN5 (fibulin 5; minus strand). Cytogenetic location: 14q32.12.
Variant type: single nucleotide variant.
Coding change: c.1152A>T on transcript NM_006329.4 (MANE Select); coding-DNA position 1152, A replaced by T.
Protein change: p.Lys384Asn; replaces lysine 384 with asparagine.
Molecular consequence: missense variant.
Genome position (GRCh38, 1-based): chr14:91,877,520, T>A on the plus strand (A>T on the coding strand, the complement: FBLN5 is on the minus strand). VCF-style: chr14-91877520-T-A. GRCh37 (hg19) VCF-style: chr14-92343864-T-A.
Other names: c.1275A>T, p.Lys425Asn (NM_001384158.1); c.1203A>T, p.Lys401Asn (NM_001384159.1); c.1152A>T, p.Lys384Asn (NM_001384160.1); c.984A>T, p.Lys328Asn (NM_001384161.1, NM_001384162.1); short protein forms K425N, K328N, K384N, K401N.
Identifiers: ClinVar variation 2858367 (VCV002858367.3), dbSNP rs2542751626, ClinGen allele CA390640491.